The following is an entry in ClinVar:

NM_001164508.2(NEB):c.7864G>A (p.Val2622Met)

Gene: NEB (nebulin; minus strand). Cytogenetic location: 2q23.3.
Variant type: single nucleotide variant.
Coding change: c.7864G>A on transcript NM_001164508.2 (MANE Select); coding-DNA position 7864, G replaced by A.
Protein change: p.Val2622Met; replaces valine 2622 with methionine.
Molecular consequence: missense variant.
Genome position (GRCh38, 1-based): chr2:151,643,910, C>T on the plus strand (G>A on the coding strand, the complement: NEB is on the minus strand). VCF-style: chr2-151643910-C-T. GRCh37 (hg19) VCF-style: chr2-152500424-C-T.
Other names: c.7864G>A, p.Val2622Met (NM_001164507.2, NM_001271208.2, NM_004543.5); c.7864G>A (NM_004543.4); short protein forms V2622M.
Identifiers: ClinVar variation 465639 (VCV000465639.12), dbSNP rs905660353, ClinGen allele CA57628247.

ClinVar aggregate classification (germline): Uncertain significance. Review status: criteria provided, multiple submitters, no conflicts (2 of 4 stars). 5 submissions from 5 submitters: Uncertain significance (4). 1 of the submissions does not count toward it. Last evaluated 2026-05-18.

Conditions:
Inborn genetic diseases. Identifiers: MedGen C0950123, MeSH D030342.
Nemaline myopathy 2 (NEM2). Also called: Nemaline myopathy 2, autosomal recessive. Identifiers: MedGen C1850569, MONDO:0009725, OMIM 256030.

Allele frequency attached by ClinVar (database versions not stated): gnomAD exomes 0.00002; TOPMed 0.00002; gnomAD 0.00003 and 0.00004.

Submissions (5):

Women's Health and Genetics/Laboratory Corporation of America, LabCorp
Classification: Uncertain significance. Last evaluated: 2026-05-18. Review status: criteria provided, single submitter. Criteria: LabCorp Variant Classification Summary - May 2015. Collection method: clinical testing. Allele origin: germline.

Ambry Genetics
Classification: Uncertain significance for Inborn genetic diseases. Last evaluated: 2024-09-30. Review status: criteria provided, single submitter. Criteria: Ambry Variant Classification Scheme 2023. Collection method: clinical testing. Allele origin: germline.

Labcorp Genetics (formerly Invitae), Labcorp
Classification: Uncertain significance for Nemaline myopathy 2. Last evaluated: 2022-07-11. Review status: criteria provided, single submitter. Criteria: Invitae Variant Classification Sherloc (09022015). Collection method: clinical testing. Allele origin: germline.
Comment: This sequence change replaces valine, which is neutral and non-polar, with methionine, which is neutral and non-polar, at codon 2622 of the NEB protein (p.Val2622Met). This variant is present in population databases (no rsID available, gnomAD 0.003%). This variant has not been reported in the literature in individuals affected with NEB-related conditions. ClinVar contains an entry for this variant (Variation ID: 465639). Algorithms developed to predict the effect of missense changes on protein structure and function are either unavailable or do not agree on the potential impact of this missense change (SIFT: "Deleterious"; PolyPhen-2: "Not Available"; Align-GVGD: "Class C0"). In summary, the available evidence is currently insufficient to determine the role of this variant in disease. Therefore, it has been classified as a Variant of Uncertain Significance.

Revvity Omics, Revvity
Classification: Uncertain significance. Last evaluated: 2019-03-28. Review status: criteria provided, single submitter. Criteria: ACMG Guidelines, 2015. Collection method: clinical testing. Allele origin: germline.

Natera, Inc.
Classification: Uncertain significance for Nemaline myopathy type 2. Last evaluated: 2019-11-11. Review status: no assertion criteria provided. Collection method: clinical testing. Allele origin: germline. Not counted in ClinVar's aggregate classification.